The following is an entry in ClinVar:

NM_016341.4(PLCE1):c.1112C>G (p.Pro371Arg)

Gene: PLCE1 (phospholipase C epsilon 1; plus strand). Cytogenetic location: 10q23.33.
Variant type: single nucleotide variant.
Coding change: c.1112C>G on transcript NM_016341.4 (MANE Select); coding-DNA position 1112, C replaced by G.
Protein change: p.Pro371Arg; replaces proline 371 with arginine.
Molecular consequence: missense variant.
Genome position (GRCh38, 1-based): chr10:94,032,158, C>G. VCF-style: chr10-94032158-C-G. GRCh37 (hg19) VCF-style: chr10-95791915-C-G.
Other names: c.1112C>G, p.Pro371Arg (NM_001288989.2); short protein forms P371R.
Identifiers: ClinVar variation 3214471 (VCV003214471.3), dbSNP rs371635786, ClinGen allele CA5612229.
Genomic context (GRCh38, chr10:94,032,158, plus strand): 5'-TGCCTTCTGGCCACATTGGGCTGACTGCATGGAGTTACATAGATCAGAAGAGAAATGGTC[C>G]CTTACTGCCTTGTGGGAGAGTAATGGAACCCCCGTCAACAGTGGAGATAAGGCAAGATGG-3'
Protein context (NP_057425.3, residues 361-381): WSYIDQKRNG[Pro371Arg]LLPCGRVMEP

ClinVar aggregate classification (germline): Uncertain significance. Review status: criteria provided, multiple submitters, no conflicts (2 of 4 stars). 3 submissions from 3 submitters: Uncertain significance (3). Last evaluated 2026-07-01.

Conditions:
Nephrotic syndrome, type 3 (NPHS3). Also called: NEPHROTIC SYNDROME, EARLY-ONSET, TYPE 3. Identifiers: Orphanet 656, MedGen C1853124, MONDO:0012546, OMIM 610725.
Inborn genetic diseases. Identifiers: MedGen C0950123, MeSH D030342.

Allele frequency attached by ClinVar (database versions not stated): gnomAD exomes 0.00003; TOPMed 0.00007; ESP Exome Variant Server 0.00008; gnomAD 0.00011.
gnomAD v4.1: 63 of 1,609,458 alleles (0.0039%); highest among the groups gnomAD compares: South Asian, 0.032%; no homozygotes.

Submissions (3):

CeGaT Center for Human Genetics Tuebingen
Classification: Uncertain significance. Last evaluated: 2026-07-01. Review status: criteria provided, single submitter. Criteria: CeGaT Center For Human Genetics Tuebingen Variant Classification Criteria Version 2. Collection method: clinical testing. Allele origin: germline. Affected: yes. Observed: 1 variant allele.
Comment: PLCE1: PM2, BP4

Fulgent Genetics
Classification: Uncertain significance for Nephrotic syndrome, type 3. Last evaluated: 2024-02-16. Review status: criteria provided, single submitter. Criteria: ACMG Guidelines, 2015. Collection method: clinical testing. Allele origin: germline.

Ambry Genetics
Classification: Uncertain significance for Inborn genetic diseases. Last evaluated: 2023-12-12. Review status: criteria provided, single submitter. Criteria: Ambry Variant Classification Scheme 2023. Collection method: clinical testing. Allele origin: germline.